The following is an entry in ClinVar:

ClinVar aggregate classification (germline): Conflicting classifications of pathogenicity. Review status: criteria provided, conflicting classifications (1 of 4 stars). 3 submissions from 3 submitters: Uncertain significance (1); Likely benign (1). 1 of the submissions does not count toward it. Last evaluated 2024-02-04.

Conditions:
DYNC2H1-related disorder. Also called: DYNC2H1-related condition; DYNC2H1-related disorders. Identifiers: MedGen CN378770.
Jeune thoracic dystrophy. Also called: Jeune syndrome; Infantile thoracic dystrophy; Thoracic pelvic phalangeal dystrophy; Jeune's syndrome; Chondroectodermal dysplasia-like syndrome; Short-rib thoracic dysplasia. Identifiers: Orphanet 474, MedGen C0265275, MONDO:0018770.

Allele frequency attached by ClinVar (database versions not stated): gnomAD 0.00006; TOPMed 0.00006.
gnomAD v4.1: 71 of 1,613,012 alleles (0.0044%); highest among the groups gnomAD compares: Non-Finnish European, 0.0056%; no homozygotes.

Submissions (3):

Labcorp Genetics (formerly Invitae), Labcorp
Classification: Likely benign for Jeune thoracic dystrophy. Last evaluated: 2024-02-04. Review status: criteria provided, single submitter. Criteria: Invitae Variant Classification Sherloc (09022015). Collection method: clinical testing. Allele origin: germline.

Genetic Services Laboratory, University of Chicago
Classification: Uncertain significance. Last evaluated: 2017-01-10. Review status: criteria provided, single submitter. Criteria: ACMG Guidelines, 2015. Collection method: clinical testing. Allele origin: germline. Affected: no.

PreventionGenetics, part of Exact Sciences
Classification: Likely benign for DYNC2H1-related condition. Last evaluated: 2020-10-07. Review status: no assertion criteria provided. Collection method: clinical testing. Allele origin: germline. Not counted in ClinVar's aggregate classification.
Comment: This variant is classified as likely benign based on ACMG/AMP sequence variant interpretation guidelines (Richards et al. 2015 PMID: 25741868, with internal and published modifications).

NM_001377.3(DYNC2H1):c.954A>G (p.Lys318=)

Gene: DYNC2H1 (dynein cytoplasmic 2 heavy chain 1; plus strand). Cytogenetic location: 11q22.3.
Variant type: single nucleotide variant.
Coding change: c.954A>G on transcript NM_001377.3 (MANE Select); coding-DNA position 954, A replaced by G.
Protein change: p.Lys318=; no amino-acid change (lysine 318 retained).
Molecular consequence: synonymous variant.
Genome position (GRCh38, 1-based): chr11:103,117,818, A>G. VCF-style: chr11-103117818-A-G. GRCh37 (hg19) VCF-style: chr11-102988547-A-G.
Other names: c.954A>G, p.Lys318= (NM_001080463.2).
Identifiers: ClinVar variation 435002 (VCV000435002.12), dbSNP rs778594253, ClinGen allele CA227400517.
Genomic context (GRCh38, chr11:103,117,818, plus strand): 5'-TAATCATCTAACAGGTCAGGTGTGGCAGCGCTATGTTCCTCATCCATGGAAAAATGAAAA[A>G]TATTTTCCAGAAACACTTGACAAACTTGGCAAACGCCTTGAAGAGGTATCAATTTGATTA-3'
Protein context (NP_001368.2, residues 308-328): RYVPHPWKNE[Lys318=]YFPETLDKLG